The following is an entry in ClinVar:

NC_000003.11:g.(?_193207380)_(193409916_?)del

Genes: ATP13A4 (ATPase 13A4; minus strand), OPA1 (OPA1 mitochondrial dynamin like GTPase; plus strand). Cytogenetic location: 3q29.
Variant type: Deletion.
Identifiers: ClinVar variation 3247018 (VCV003247018.1).

ClinVar aggregate classification (germline): Pathogenic (1 of 4 stars; one submission).

Submission:

Labcorp Genetics (formerly Invitae), Labcorp
Classification: Pathogenic. Last evaluated: 2023-07-12. Review status: criteria provided, single submitter. Criteria: Invitae Variant Classification Sherloc (09022015). Collection method: clinical testing. Allele origin: unknown.
Comment: A gross deletion of the genomic region encompassing the full coding sequence of the OPA1 gene has been identified. Loss-of-function variants in OPA1 are known to be pathogenic (PMID: 11440988, 20157015, 20952381, 25012220). The boundaries of this event are unknown as they extend beyond the assayed region for this gene and therefore may encompass additional genes. A similar copy number variant has been observed in individual(s) with autosomal dominant optical atrophy (PMID: 12161614, 21457585). It has also been observed to segregate with disease in related individuals. For these reasons, this variant has been classified as Pathogenic.

Literature cited by the submitters: PubMed 11440988; PubMed 20157015; PubMed 20952381; PubMed 25012220; PubMed 12161614; PubMed 21457585.